The following is an entry in ClinVar:

ClinVar aggregate classification (germline): Likely pathogenic. Review status: criteria provided, multiple submitters, no conflicts (2 of 4 stars). 2 submissions from 2 submitters: Likely pathogenic (2). Last evaluated 2024-09-24.

Conditions:
Ehlers-Danlos syndrome, type 4 (EDSVASC). Also called: Ehlers-Danlos syndrome vascular type; Ehlers Danlos syndrome, ecchymotic type; Ehlers Danlos syndrome, arterial type; Ehlers Danlos syndrome, Sack-Barabas type; Ehlers-Danlos Syndrome Type IV. Identifiers: Orphanet 286, MedGen C0268338, MONDO:0017314, OMIM 130050.

Submissions (2):

All of Us Research Program, National Institutes of Health
Classification: Likely pathogenic for Ehlers-Danlos syndrome, type 4. Last evaluated: 2024-09-24. Review status: criteria provided, single submitter. Criteria: ACMG Guidelines, 2015. Collection method: clinical testing. Allele origin: germline. Inheritance: Autosomal dominant inheritance. Observed: 1 variant allele, 1 heterozygote.
Comment: The c.1834G>A (p.Gly612Ser) variant in COL3A1 gene, affects the conserved glycine residue and substitutions to this amino acid in COL3A1 protein are significantly enriched in individuals with COL3A1-related conditions (PMID: 24922459, 25758994). To our knowledge, this variant has not been reported in the literature in individuals with Ehlers-Danlos syndrome or other COL3A1-related phenotypes. Glycine residues within the Gly-X-Y repeats of the triple helix domain are required for the structure and stability of fibrillar collagens (PMID: 7695699, 8218237, 19344236). Computational prediction tools suggest that the p.Gly612Ser variant may have deleterious effect on the protein function (REVEL score: 0.945). This variant is absent in the general population database gnomAD (v4.1.0), and interpreted as likely pathogenic by one submitter in ClinVar database (ID: 1474997). Therefore, the c.1834G>A (p.Gly612Ser) variant in COL3A1 gene is classified as likely pathogenic.

This study involves interpretation of variants in research participants for the purpose of population health screening. Participant phenotype was not available at the time of variant classification. Additional details can be found in publication PMID: 35346344, PMCID: PMC8962531

Labcorp Genetics (formerly Invitae), Labcorp
Classification: Likely pathogenic for Ehlers-Danlos syndrome, type 4. Last evaluated: 2022-12-06. Review status: criteria provided, single submitter. Criteria: Invitae Variant Classification Sherloc (09022015). Collection method: clinical testing. Allele origin: germline.
Comment: In summary, the currently available evidence indicates that the variant is pathogenic, but additional data are needed to prove that conclusively. Therefore, this variant has been classified as Likely Pathogenic. This variant disrupts the triple helix domain of COL3A1. Glycine residues within the Gly-Xaa-Yaa repeats of the triple helix domain are required for the structure and stability of fibrillar collagens (PMID: 7695699, 8218237, 19344236). In COL3A1, variants that affect these glycine residues are significantly enriched in individuals with disease (PMID: 24922459, 25758994) compared to the general population (ExAC). Advanced modeling of protein sequence and biophysical properties (such as structural, functional, and spatial information, amino acid conservation, physicochemical variation, residue mobility, and thermodynamic stability) performed at Invitae indicates that this missense variant is expected to disrupt COL3A1 protein function. ClinVar contains an entry for this variant (Variation ID: 1474997). This variant has not been reported in the literature in individuals affected with COL3A1-related conditions. This variant is not present in population databases (gnomAD no frequency). This sequence change replaces glycine, which is neutral and non-polar, with serine, which is neutral and polar, at codon 612 of the COL3A1 protein (p.Gly612Ser).

Literature cited by the submitters: PubMed 7695699 (cited by All of Us Research Program, National Institutes of Health and Labcorp Genetics (formerly Invitae), Labcorp); PubMed 8218237 (cited by All of Us Research Program, National Institutes of Health and Labcorp Genetics (formerly Invitae), Labcorp); PubMed 19344236 (cited by All of Us Research Program, National Institutes of Health and Labcorp Genetics (formerly Invitae), Labcorp); PubMed 24922459 (cited by All of Us Research Program, National Institutes of Health and Labcorp Genetics (formerly Invitae), Labcorp); PubMed 25758994 (cited by All of Us Research Program, National Institutes of Health and Labcorp Genetics (formerly Invitae), Labcorp).

NM_000090.4(COL3A1):c.1834G>A (p.Gly612Ser)

Gene: COL3A1 (collagen type III alpha 1 chain; plus strand). Cytogenetic location: 2q32.2.
Variant type: single nucleotide variant.
Coding change: c.1834G>A on transcript NM_000090.4 (MANE Select); coding-DNA position 1834, G replaced by A.
Protein change: p.Gly612Ser; replaces glycine 612 with serine.
Molecular consequence: missense variant.
Genome position (GRCh38, 1-based): chr2:188,997,354, G>A. VCF-style: chr2-188997354-G-A. GRCh37 (hg19) VCF-style: chr2-189862080-G-A.
Other names: short protein forms G612S.
Identifiers: ClinVar variation 1474997 (VCV001474997.7), dbSNP rs2153502803, ClinGen allele CA349853425.